The following is an entry in ClinVar:

ClinVar aggregate classification (germline): Likely benign (1 of 4 stars; one submission).

Conditions:
Familial colorectal cancer type X. Identifiers: Orphanet 440437, MedGen C3896578, MONDO:0018604.

gnomAD v4.1: 1 of 1,606,544 alleles (0.000062%); highest among the groups gnomAD compares: Non-Finnish European, 0.000085%; no homozygotes.

Submission:

Myriad Genetics, Inc.
Classification: Likely benign for Familial colorectal cancer type X. Last evaluated: 2026-07-31. Review status: criteria provided, single submitter. Criteria: Myriad Autosomal Dominant, Autosomal Recessive and X-Linked Classification Criteria (2023). Collection method: clinical testing. Allele origin: unknown.
Comment: This variant is considered likely benign. This variant is intronic and is not expected to impact mRNA splicing.

NM_001023.4(RPS20):c.103+10T>C

Gene: RPS20 (ribosomal protein S20; minus strand). Cytogenetic location: 8q12.1.
Variant type: single nucleotide variant.
Coding change: c.103+10T>C on transcript NM_001023.4 (MANE Select); 10 bases into the intron after coding-DNA position 103, T replaced by C.
Molecular consequence: intron variant.
Genome position (GRCh38, 1-based): chr8:56,074,050, A>G on the plus strand (T>C on the coding strand, the complement: RPS20 is on the minus strand). VCF-style: chr8-56074050-A-G. GRCh37 (hg19) VCF-style: chr8-56986609-A-G.
Other names: c.103+10T>C (NM_001146227.3).
Identifiers: ClinVar variation 5042098 (VCV005042098.1).